The following is an entry in ClinVar:

NM_203447.4(DOCK8):c.6064A>G (p.Met2022Val)

Gene: DOCK8 (dedicator of cytokinesis 8; plus strand). Cytogenetic location: 9p24.3.
Variant type: single nucleotide variant.
Coding change: c.6064A>G on transcript NM_203447.4 (MANE Select); coding-DNA position 6064, A replaced by G.
Protein change: p.Met2022Val; replaces methionine 2022 with valine.
Molecular consequence: missense variant.
Genome position (GRCh38, 1-based): chr9:452,113, A>G. VCF-style: chr9-452113-A-G. GRCh37 (hg19) VCF-style: chr9-452113-A-G.
Other names: c.5764A>G, p.Met1922Val (NM_001190458.2); c.5860A>G, p.Met1954Val (NM_001193536.2); short protein forms M1922V, M1954V, M2022V.
Identifiers: ClinVar variation 1059642 (VCV001059642.34), dbSNP rs143458628, ClinGen allele CA4959651.

ClinVar aggregate classification (germline): Conflicting classifications of pathogenicity. Review status: criteria provided, conflicting classifications (1 of 4 stars). 4 submissions from 4 submitters: Uncertain significance (3); Likely benign (1). Last evaluated 2024-10-16.

Allele frequency attached by ClinVar (database versions not stated): TOPMed 0.00006; gnomAD 0.00008 and 0.00009; ExAC 0.00009; gnomAD exomes 0.00009 and 0.00015; ESP Exome Variant Server 0.00015.

Submissions (6):

Labcorp Genetics (formerly Invitae), Labcorp
Classification: Uncertain significance for Combined immunodeficiency due to DOCK8 deficiency. Last evaluated: 2024-10-16. Review status: criteria provided, single submitter. Criteria: Invitae Variant Classification Sherloc (09022015). Collection method: clinical testing. Allele origin: germline.
Comment: This sequence change replaces methionine, which is neutral and non-polar, with valine, which is neutral and non-polar, at codon 2022 of the DOCK8 protein (p.Met2022Val). This variant is present in population databases (rs143458628, gnomAD 0.02%). This variant has not been reported in the literature in individuals affected with DOCK8-related conditions. ClinVar contains an entry for this variant (Variation ID: 1059642). Invitae Evidence Modeling of protein sequence and biophysical properties (such as structural, functional, and spatial information, amino acid conservation, physicochemical variation, residue mobility, and thermodynamic stability) indicates that this missense variant is expected to disrupt DOCK8 protein function with a positive predictive value of 80%. In summary, the available evidence is currently insufficient to determine the role of this variant in disease. Therefore, it has been classified as a Variant of Uncertain Significance.

Blueprint Genetics
Classification: Uncertain significance. Last evaluated: 2023-08-09. Review status: criteria provided, single submitter. Criteria: ACMG Guidelines, 2015. Collection method: clinical testing. Allele origin: germline.

CeGaT Center for Human Genetics Tuebingen
Classification: Likely benign. Last evaluated: 2023-08-01. Review status: criteria provided, single submitter. Criteria: CeGaT Center For Human Genetics Tuebingen Variant Classification Criteria Version 2. Collection method: clinical testing. Allele origin: germline. Affected: yes. Observed: 1 variant allele.
Comment: DOCK8: BP4

Breakthrough Genomics
Classification: Uncertain significance. Review status: criteria provided, single submitter. Criteria: ACMG Guidelines, 2015. Collection method: not provided. Allele origin: germline. Inheritance: Autosomal recessive inheritance. Affected: yes.

Dr. Peter K. Rogan Lab, Western University
No classification provided (evidence only). Condition: Ovarian serous cystadenocarcinoma. Review status: no classification provided. Collection method: in vitro. Allele origin: not applicable. Functional consequence: retained intron. Not counted in ClinVar's aggregate classification.

Dr. Peter K. Rogan Lab, Western University
No classification provided (evidence only). Condition: Malignant tumor of esophagus. Review status: no classification provided. Collection method: in vitro. Allele origin: not applicable. Functional consequence: skipped exon, retained intron. Not counted in ClinVar's aggregate classification.